The following is an entry in ClinVar:

ClinVar aggregate classification (germline): Uncertain significance (1 of 4 stars; one submission).

Allele frequency attached by ClinVar (database versions not stated): gnomAD exomes below 0.00001.
gnomAD v4.1: 6 of 1,613,516 alleles (0.00037%); highest among the groups gnomAD compares: Non-Finnish European, 0.00042%; no homozygotes.

Submission:

Ambry Genetics
Classification: Uncertain significance. Last evaluated: 2024-06-15. Review status: criteria provided, single submitter. Criteria: Ambry Variant Classification Scheme 2023. Collection method: clinical testing. Allele origin: germline.
Comment: The p.F2321L variant (also known as c.6961T>C), located in coding exon 24 of the POLQ gene, results from a T to C substitution at nucleotide position 6961. The phenylalanine at codon 2321 is replaced by leucine, an amino acid with highly similar properties. This amino acid position is conserved. In addition, the in silico prediction for this alteration is inconclusive. Since supporting evidence is limited at this time, the clinical significance of this alteration remains unclear.

NM_199420.4(POLQ):c.6961T>C (p.Phe2321Leu)

Gene: POLQ (DNA polymerase theta; minus strand). Cytogenetic location: 3q13.33.
Variant type: single nucleotide variant.
Coding change: c.6961T>C on transcript NM_199420.4 (MANE Select); coding-DNA position 6961, T replaced by C.
Protein change: p.Phe2321Leu; replaces phenylalanine 2321 with leucine.
Molecular consequence: missense variant.
Genome position (GRCh38, 1-based): chr3:121,467,525, A>G on the plus strand (T>C on the coding strand, the complement: POLQ is on the minus strand). VCF-style: chr3-121467525-A-G. GRCh37 (hg19) VCF-style: chr3-121186372-A-G.
Other names: short protein forms F2321L.
Identifiers: ClinVar variation 1756334 (VCV001756334.3), dbSNP rs1473516771, ClinGen allele CA354109572.